The following is an entry in ClinVar:

ClinVar aggregate classification (germline): Uncertain significance. Review status: criteria provided, multiple submitters, no conflicts (2 of 4 stars). 3 submissions from 3 submitters: Uncertain significance (3). Last evaluated 2024-05-02.

Conditions:
Ehlers-Danlos syndrome (EDS). Identifiers: Orphanet 98249, MedGen C0013720, MONDO:0020066.
Ehlers-Danlos syndrome, classic type, 1 (EDSCL1). Also called: EDS I; Ehlers-Danlos syndrome, type 1; EHLERS-DANLOS SYNDROME, GRAVIS TYPE; EHLERS-DANLOS SYNDROME, SEVERE CLASSIC TYPE; Ehlers-Danlos Syndrome, Classic Type, COL5A1-Related. Identifiers: MedGen C0268335, MONDO:0019567, OMIM 130000.
Osteogenesis imperfecta type I (OI1). Also called: Osteogenesis imperfecta type 1; Lobstein's Disease; OI, TYPE I; OSTEOGENESIS IMPERFECTA TARDA; OSTEOGENESIS IMPERFECTA WITH BLUE SCLERAE; Lobstein disease. Identifiers: Orphanet 216796, Orphanet 666, MedGen C0023931, MONDO:0008146, OMIM 166200. Disease mechanism: loss of function.

Submissions (3):

GeneDx
Classification: Uncertain significance. Last evaluated: 2024-05-02. Review status: criteria provided, single submitter. Criteria: GeneDx Variant Classification Process June 2021. Collection method: clinical testing. Allele origin: germline. Affected: yes.
Comment: Has not been previously published as pathogenic or benign to our knowledge; Not observed at significant frequency in large population cohorts (gnomAD); Occurs in the triple helical domain at the Y position in the canonical Gly-X-Y repeat; although this variant may have an effect on normal protein folding and function, missense substitution at the Y position is not a common mechanism of disease (HGMD); In silico analysis supports that this missense variant has a deleterious effect on protein structure/function

Labcorp Genetics (formerly Invitae), Labcorp
Classification: Uncertain significance for Osteogenesis imperfecta type I; Ehlers-Danlos syndrome, classic type, 1. Last evaluated: 2023-03-13. Review status: criteria provided, single submitter. Criteria: Invitae Variant Classification Sherloc (09022015). Collection method: clinical testing. Allele origin: germline.
Comment: The frequency data for this variant in the population databases is considered unreliable, as metrics indicate poor data quality at this position in the gnomAD database. This sequence change replaces proline, which is neutral and non-polar, with threonine, which is neutral and polar, at codon 102 of the COL1A2 protein (p.Pro102Thr). This variant has not been reported in the literature in individuals affected with COL1A2-related conditions. ClinVar contains an entry for this variant (Variation ID: 1702194). Advanced modeling of protein sequence and biophysical properties (such as structural, functional, and spatial information, amino acid conservation, physicochemical variation, residue mobility, and thermodynamic stability) performed at Invitae indicates that this missense variant is not expected to disrupt COL1A2 protein function. In summary, the available evidence is currently insufficient to determine the role of this variant in disease. Therefore, it has been classified as a Variant of Uncertain Significance.

Genome Diagnostics Laboratory, The Hospital for Sick Children
Classification: Uncertain significance for Ehlers-Danlos syndrome. Last evaluated: 2020-11-19. Review status: criteria provided, single submitter. Criteria: ACMG Guidelines, 2015. Collection method: clinical testing. Allele origin: germline.

NM_000089.4(COL1A2):c.304C>A (p.Pro102Thr)

Gene: COL1A2 (collagen type I alpha 2 chain; plus strand). Cytogenetic location: 7q21.3.
Variant type: single nucleotide variant.
Coding change: c.304C>A on transcript NM_000089.4 (MANE Select); coding-DNA position 304, C replaced by A.
Protein change: p.Pro102Thr; replaces proline 102 with threonine.
Molecular consequence: missense variant.
Genome position (GRCh38, 1-based): chr7:94,404,580, C>A. VCF-style: chr7-94404580-C-A. GRCh37 (hg19) VCF-style: chr7-94033892-C-A.
Other names: short protein forms P102T.
Identifiers: ClinVar variation 1702194 (VCV001702194.7), dbSNP rs189557655, ClinGen allele CA368219469.
Genomic context (GRCh38, chr7:94,404,580, plus strand): 5'-CAGTGCTAACTGTTGATATATCTGCTTTCTTTACAGGGCTTAATGGGACCTAGAGGCCCA[C>A]CTGGTGCAGCTGGAGCCCCAGTAAGTACTGAAAGCTTGTAATGCCTCTTATGTAAAAAGA-3'
Protein context (NP_000080.2, residues 92-112): PMGLMGPRGP[Pro102Thr]GAAGAPGPQG